The following is an entry in ClinVar:

NM_203447.4(DOCK8):c.5203G>C (p.Ala1735Pro)

Gene: DOCK8 (dedicator of cytokinesis 8; plus strand). Cytogenetic location: 9p24.3.
Variant type: single nucleotide variant.
Coding change: c.5203G>C on transcript NM_203447.4 (MANE Select); coding-DNA position 5203, G replaced by C.
Protein change: p.Ala1735Pro; replaces alanine 1735 with proline.
Molecular consequence: missense variant.
Genome position (GRCh38, 1-based): chr9:439,368, G>C. VCF-style: chr9-439368-G-C. GRCh37 (hg19) VCF-style: chr9-439368-G-C.
Other names: c.4903G>C, p.Ala1635Pro (NM_001190458.2); c.4999G>C, p.Ala1667Pro (NM_001193536.2); short protein forms A1635P, A1735P, A1667P.
Identifiers: ClinVar variation 4742658 (VCV004742658.1).
Genomic context (GRCh38, chr9:439,368, plus strand): 5'-GATGGGGTGTGCGCAGGCCAGTACTTCACCGAGAGTGGCCTGGTAGGCCTCCTGGAGCAG[G>C]CCGCGGAGCTCTTCAGCACGGTCAGTGCCCAGAGGGCATCCCGGGGCCTGGCCTCCCATA-3'
Protein context (NP_982272.2, residues 1725-1745): ESGLVGLLEQ[Ala1735Pro]AELFSTGGLY

ClinVar aggregate classification (germline): Uncertain significance (1 of 4 stars; one submission).

Conditions:
Combined immunodeficiency due to DOCK8 deficiency (HIES2). Also called: HYPER-IgE SYNDROME 2, AUTOSOMAL RECESSIVE, WITH RECURRENT INFECTIONS; DOCK8 Deficiency; HIES autosomal recessive; Hyper-IgE recurrent infection syndrome, autosomal recessive; HYPER-IgE RECURRENT INFECTION SYNDROME 2, AUTOSOMAL RECESSIVE. Identifiers: Orphanet 217390, MedGen C4722305, MONDO:0009478, OMIM 243700.

gnomAD v4.1: 4 of 1,613,728 alleles (0.00025%); highest among the groups gnomAD compares: Non-Finnish European, 0.00034%; no homozygotes.

Submission:

Labcorp Genetics (formerly Invitae), Labcorp
Classification: Uncertain significance for Combined immunodeficiency due to DOCK8 deficiency. Last evaluated: 2025-03-12. Review status: criteria provided, single submitter. Criteria: Invitae Variant Classification Sherloc (09022015). Collection method: clinical testing. Allele origin: germline.
Comment: This sequence change replaces alanine, which is neutral and non-polar, with proline, which is neutral and non-polar, at codon 1735 of the DOCK8 protein (p.Ala1735Pro). This variant is not present in population databases (gnomAD no frequency). This variant has not been reported in the literature in individuals affected with DOCK8-related conditions. Invitae Evidence Modeling of protein sequence and biophysical properties (such as structural, functional, and spatial information, amino acid conservation, physicochemical variation, residue mobility, and thermodynamic stability) indicates that this missense variant is expected to disrupt DOCK8 protein function with a positive predictive value of 80%. In summary, the available evidence is currently insufficient to determine the role of this variant in disease. Therefore, it has been classified as a Variant of Uncertain Significance.